The following is an entry in ClinVar:

NM_024753.5(TTC21B):c.3785A>G (p.Asn1262Ser)

Gene: TTC21B (tetratricopeptide repeat domain 21B; minus strand). Cytogenetic location: 2q24.3.
Variant type: single nucleotide variant.
Coding change: c.3785A>G on transcript NM_024753.5 (MANE Select); coding-DNA position 3785, A replaced by G.
Protein change: p.Asn1262Ser; replaces asparagine 1262 with serine.
Molecular consequence: missense variant.
Genome position (GRCh38, 1-based): chr2:165,880,699, T>C on the plus strand (A>G on the coding strand, the complement: TTC21B is on the minus strand). VCF-style: chr2-165880699-T-C. GRCh37 (hg19) VCF-style: chr2-166737209-T-C.
Other names: short protein forms N1262S.
Identifiers: ClinVar variation 4983737 (VCV004983737.1).

ClinVar aggregate classification (germline): Uncertain significance (1 of 4 stars; one submission).

Conditions:
TTC21B-related disorder. Also called: TTC21B-related disorders; TTC21B-related condition.

gnomAD v4.1: 7 of 1,613,624 alleles (0.00043%); highest among the groups gnomAD compares: East Asian, 0.013%; no homozygotes.

Submission:

PreventionGenetics, part of Exact Sciences
Classification: Uncertain significance for TTC21B-related condition. Last evaluated: 2025-10-10. Review status: criteria provided, single submitter. Criteria: ACMG Guidelines, 2015. Collection method: clinical testing. Allele origin: germline.
Comment: The TTC21B c.3785A>G variant is predicted to result in the amino acid substitution p.Asn1262Ser. To our knowledge, this variant has not been reported in the literature. This variant is reported in 0.0055% of alleles in individuals of East Asian descent in gnomAD. At this time, the clinical significance of this variant is uncertain due to the absence of conclusive functional and genetic evidence.